The following is an entry in ClinVar:

ClinVar aggregate classification (germline): Likely pathogenic (1 of 4 stars; one submission).

Submission:

Mayo Clinic Laboratories, Mayo Clinic
Classification: Likely pathogenic. Last evaluated: 2022-07-25. Review status: criteria provided, single submitter. Criteria: ACMG Guidelines, 2015. Collection method: clinical testing. Allele origin: germline. Observed: 1 variant allele.
Comment: PM2, PVS1

NM_001355436.2(SPTB):c.1625_1632dup (p.Asp545fs)

Gene: SPTB (spectrin beta, erythrocytic; minus strand). Cytogenetic location: 14q23.3.
Variant type: Duplication.
Coding change: c.1625_1632dup on transcript NM_001355436.2 (MANE Select); coding-DNA positions 1625 to 1632, 8 bases duplicated (ACTGGATG; older notation c.1625_1632dupACTGGATG).
Protein change: p.Asp545fs; shifts the reading frame from aspartic acid 545.
Molecular consequence: frameshift variant.
Genome position (GRCh38, 1-based): chr14:64,795,349-64,795,356, CATCCAGT duplicated on the plus strand (ACTGGATG on the coding strand, the reverse complement: SPTB is on the minus strand); duplicating any 8 consecutive bases within chr14:64,795,349-64,795,357 gives the same sequence; the c. name uses the placement nearest the transcript's 3' end. VCF-style (leftmost placement, unchanged base first): chr14-64795348-C-CCATCCAGT. GRCh37 (hg19) VCF-style: chr14-65262066-C-CCATCCAGT.
Other names: p.Asp545Thrfs*31; c.1625_1632dup, p.Asp545fs (NM_001024858.4, NM_001355437.2); short protein forms D545fs.
Identifiers: ClinVar variation 2683478 (VCV002683478.1), dbSNP rs2503173030, ClinGen allele CA2697553964.